The following is an entry in ClinVar:

NM_005148.4(UNC119):c.674G>A (p.Arg225Gln)

Gene: UNC119 (unc-119 lipid binding chaperone; minus strand). Cytogenetic location: 17q11.2.
Variant type: single nucleotide variant.
Coding change: c.674G>A on transcript NM_005148.4 (MANE Select); coding-DNA position 674, G replaced by A.
Protein change: p.Arg225Gln; replaces arginine 225 with glutamine.
Molecular consequence: missense variant. On other transcripts: 3 prime UTR variant (1).
Genome position (GRCh38, 1-based): chr17:28,547,346, C>T on the plus strand (G>A on the coding strand, the complement: UNC119 is on the minus strand). VCF-style: chr17-28547346-C-T. GRCh37 (hg19) VCF-style: chr17-26874364-C-T.
Other names: c.389G>A, p.Arg130Gln (NM_001330166.2); c.*278G>A (NM_054035.2); short protein forms R225Q, R130Q.
Identifiers: ClinVar variation 967532 (VCV000967532.6), dbSNP rs372687395, ClinGen allele CA8459696.
Genomic context (GRCh38, chr17:28,547,346, plus strand): 5'-CAGCCGTGGGGTCAGGGTGTCCCGCTGTAGGAATAGTCTGCTTTATTGTGCATCACCAGC[C>T]GGTCATCCACGAAGTAGAAGCTGTCAGACTGGGTCTCATACGGGTGGCGGATCATCTCGC-3'
Protein context (NP_005139.1, residues 215-235): QSDSFYFVDD[Arg225Gln]LVMHNKADYS

ClinVar aggregate classification (germline): Uncertain significance (1 of 4 stars; one submission).

Allele frequency attached by ClinVar (database versions not stated): ExAC 0.00002; gnomAD exomes 0.00002 and 0.00004; TOPMed 0.00002; gnomAD 0.00003; ESP Exome Variant Server 0.00008.
gnomAD v4.1: 57 of 1,614,038 alleles (0.0035%); highest among the groups gnomAD compares: Non-Finnish European, 0.0044%; no homozygotes.

Submission:

Labcorp Genetics (formerly Invitae), Labcorp
Classification: Uncertain significance. Last evaluated: 2025-08-12. Review status: criteria provided, single submitter. Criteria: Invitae Variant Classification Sherloc (09022015). Collection method: clinical testing. Allele origin: germline.
Comment: This sequence change replaces arginine, which is basic and polar, with glutamine, which is neutral and polar, at codon 225 of the UNC119 protein (p.Arg225Gln). This variant is present in population databases (rs372687395, gnomAD 0.006%). This variant has not been reported in the literature in individuals affected with UNC119-related conditions. ClinVar contains an entry for this variant (Variation ID: 967532). An algorithm developed to predict the effect of missense changes on protein structure and function outputs the following: PolyPhen-2: "Benign". The glutamine amino acid residue is found in multiple mammalian species, which suggests that this missense change does not adversely affect protein function. In summary, the available evidence is currently insufficient to determine the role of this variant in disease. Therefore, it has been classified as a Variant of Uncertain Significance.